The following is an entry in ClinVar:

ClinVar aggregate classification (germline): Likely benign (1 of 4 stars; one submission).

Allele frequency attached by ClinVar (database versions not stated): TOPMed 0.00015; gnomAD 0.00027; gnomAD exomes 0.00028; ESP Exome Variant Server 0.00032; ExAC 0.00067.
gnomAD v4.1: 471 of 1,595,272 alleles (0.03%); highest among the groups gnomAD compares: Non-Finnish European, 0.023%; 1 homozygote.

Submission:

CeGaT Center for Human Genetics Tuebingen
Classification: Likely benign. Last evaluated: 2022-08-01. Review status: criteria provided, single submitter. Criteria: CeGaT Center For Human Genetics Tuebingen Variant Classification Criteria Version 2. Collection method: clinical testing. Allele origin: germline. Affected: yes. Observed: 1 variant allele.
Comment: ULK3: BP4, BP7

NM_001099436.4(ULK3):c.498G>A (p.Pro166=)

Gene: ULK3 (unc-51 like kinase 3; minus strand). Cytogenetic location: 15q24.1.
Variant type: single nucleotide variant.
Coding change: c.498G>A on transcript NM_001099436.4 (MANE Select); coding-DNA position 498, G replaced by A.
Protein change: p.Pro166=; no amino-acid change (proline 166 retained).
Molecular consequence: synonymous variant. On other transcripts: non-coding transcript variant (3).
Genome position (GRCh38, 1-based): chr15:74,840,613, C>T on the plus strand (G>A on the coding strand, the complement: ULK3 is on the minus strand). VCF-style: chr15-74840613-C-T. GRCh37 (hg19) VCF-style: chr15-75132954-C-T.
Other names: c.498G>A, p.Pro166= (NM_001284364.3, NM_015518.1); c.147G>A, p.Pro49= (NM_001284365.3); c.531G>A, p.Pro177= (NM_001411082.1).
Identifiers: ClinVar variation 2645548 (VCV002645548.24), dbSNP rs375863086, ClinGen allele CA7661709.